The following is an entry in ClinVar:

NM_001330078.2(NRXN1):c.443_446dup (p.Phe150fs)

Gene: NRXN1 (neurexin 1; minus strand). Cytogenetic location: 2p16.3.
Variant type: Duplication.
Coding change: c.443_446dup on transcript NM_001330078.2 (MANE Select); coding-DNA positions 443 to 446, 4 bases duplicated (CGGT; older notation c.443_446dupCGGT).
Protein change: p.Phe150fs; shifts the reading frame from phenylalanine 150.
Molecular consequence: frameshift variant.
Genome position (GRCh38, 1-based): chr2:51,027,828-51,027,831, ACCG duplicated on the plus strand (CGGT on the coding strand, the reverse complement: NRXN1 is on the minus strand). VCF-style (leftmost placement, unchanged base first): chr2-51027827-C-CACCG. GRCh37 (hg19) VCF-style: chr2-51254965-C-CACCG.
Other names: c.443_446dup, p.Phe150fs (NM_001135659.3, NM_001330077.2, NM_001330079.2 and 15 more transcripts); short protein forms F150fs.
Identifiers: ClinVar variation 818069 (VCV000818069.1), dbSNP rs1575277408, ClinGen allele CA915943905.

ClinVar aggregate classification (germline): Pathogenic (1 of 4 stars; one submission).

Submission:

GeneDx
Classification: Pathogenic. Last evaluated: 2019-03-23. Review status: criteria provided, single submitter. Criteria: GeneDx Variant Classification (06012015). Collection method: clinical testing. Allele origin: germline. Affected: yes.
Comment: The c.443_446dupCGGT variant in the NRXN1gene has not been reported previously as a pathogenic variant nor as a benign variant, to our knowledge. The c.443_446dupCGGT variant causes a frameshift starting with codon Phenylalanine 150, changes this amino acid to a Glycine residue, and creates a premature Stop codon at position 38 of the new reading frame, denoted p.Phe150GlyfsX38. This variant is predicted to cause loss of normal protein function either through protein truncation or nonsense-mediated mRNA decay. The c.443_446dupCGGT variant is not observed in large population cohorts (Lek et al., 2016). We interpret c.443_446dupCGGT as a pathogenic variant.